The following is an entry in ClinVar:

ClinVar aggregate classification (germline): Uncertain significance (1 of 4 stars; one submission).

Conditions:
Neurofibromatosis, type 1 (NF1). Also called: Peripheral type neurofibromatosis; VON RECKLINGHAUSEN DISEASE; NEUROFIBROMATOSIS, TYPE I, SOMATIC; Neurofibromatosis, type I. Identifiers: Orphanet 636, MedGen C0027831, MONDO:0018975, OMIM 162200. Disease mechanism: loss of function.

Submission:

Labcorp Genetics (formerly Invitae), Labcorp
Classification: Uncertain significance for Neurofibromatosis, type 1. Last evaluated: 2024-05-19. Review status: criteria provided, single submitter. Criteria: Invitae Variant Classification Sherloc (09022015). Collection method: clinical testing. Allele origin: germline.
Comment: This sequence change falls in intron 38 of the NF1 gene. It does not directly change the encoded amino acid sequence of the NF1 protein. It affects a nucleotide within the consensus splice site. This variant is not present in population databases (gnomAD no frequency). This variant has been observed in individual(s) with clinical features of neurofibromatosis type I (Invitae). Variants that disrupt the consensus splice site are a relatively common cause of aberrant splicing (PMID: 17576681, 9536098). Algorithms developed to predict the effect of sequence changes on RNA splicing suggest that this variant may disrupt the consensus splice site. In summary, the available evidence is currently insufficient to determine the role of this variant in disease. Therefore, it has been classified as a Variant of Uncertain Significance.

Literature cited by the submitters: PubMed 17576681; PubMed 9536098.

NM_001042492.3(NF1):c.5812+3_5812+15del

Gene: NF1 (neurofibromin 1; plus strand). Cytogenetic location: 17q11.2.
Variant type: Deletion.
Coding change: c.5812+3_5812+15del on transcript NM_001042492.3 (MANE Select); bases 3 to 15 of the intron after coding-DNA position 5812, 13 bases deleted (AAGTAATGATAAT).
Molecular consequence: splice donor variant.
Genome position (GRCh38, 1-based): chr17:31,330,501-31,330,513, AAGTAATGATAAT deleted; deleting any 13 consecutive bases within chr17:31,330,500-31,330,513 gives the same sequence; the c. name uses the placement nearest the transcript's 3' end. VCF-style (leftmost placement, unchanged base first): chr17-31330499-GTAAGTAATGATAA-G. GRCh37 (hg19) VCF-style: chr17-29657517-GTAAGTAATGATAA-G.
Other names: c.5749+3_5749+15del (NM_000267.4).
Identifiers: ClinVar variation 3653832 (VCV003653832.2).